The following is an entry in ClinVar:

ClinVar aggregate classification (germline): Uncertain significance (1 of 4 stars; one submission).

Conditions:
Autosomal recessive ataxia, Beauce type. Also called: SYNE1-Related Autosomal Recessive Cerebellar Ataxia; Spinocerebellar ataxia, autosomal recessive 8; ATAXIA, RECESSIVE, OF BEAUCE; SYNE1 Deficiency. Identifiers: Orphanet 88644, MedGen C1853116, MONDO:0012549, OMIM 610743.
Emery-Dreifuss muscular dystrophy 4, autosomal dominant (EDMD4). Also called: EMERY-DREIFUSS MUSCULAR DYSTROPHY 4 WITH VARIABLE FEATURES. Identifiers: Orphanet 261, MedGen C2751807, MONDO:0013071, OMIM 612998.

Submission:

Labcorp Genetics (formerly Invitae), Labcorp
Classification: Uncertain significance for Emery-Dreifuss muscular dystrophy 4, autosomal dominant; Autosomal recessive ataxia, Beauce type. Last evaluated: 2026-01-14. Review status: criteria provided, single submitter. Criteria: Invitae Variant Classification Sherloc (09022015). Collection method: clinical testing. Allele origin: germline.
Comment: This sequence change replaces leucine, which is neutral and non-polar, with serine, which is neutral and polar, at codon 4128 of the SYNE1 protein (p.Leu4128Ser). This variant is not present in population databases (gnomAD no frequency). This variant has not been reported in the literature in individuals affected with SYNE1-related conditions. An algorithm developed to predict the effect of missense changes on protein structure and function (PolyPhen-2) suggests that this variant is likely to be disruptive. In summary, the available evidence is currently insufficient to determine the role of this variant in disease. Therefore, it has been classified as a Variant of Uncertain Significance.

NM_182961.4(SYNE1):c.12596T>C (p.Leu4199Ser)

Gene: SYNE1 (spectrin repeat containing nuclear envelope protein 1; minus strand). Cytogenetic location: 6q25.2.
Variant type: single nucleotide variant.
Coding change: c.12596T>C on transcript NM_182961.4 (MANE Select); coding-DNA position 12596, T replaced by C.
Protein change: p.Leu4199Ser; replaces leucine 4199 with serine.
Molecular consequence: missense variant.
Genome position (GRCh38, 1-based): chr6:152,334,206, A>G on the plus strand (T>C on the coding strand, the complement: SYNE1 is on the minus strand). VCF-style: chr6-152334206-A-G. GRCh37 (hg19) VCF-style: chr6-152655341-A-G.
Other names: c.12383T>C, p.Leu4128Ser (NM_033071.5); short protein forms L4199S, L4128S.
Identifiers: ClinVar variation 4787205 (VCV004787205.1).